The following is an entry in ClinVar:

NM_002905.5(RDH5):c.713G>C (p.Gly238Ala)

Genes: BLOC1S1-RDH5 (BLOC1S1-RDH5 readthrough; plus strand), CD63 (CD63 molecule; minus strand), RDH5 (retinol dehydrogenase 5; plus strand). Cytogenetic location: 12q13.2.
Variant type: single nucleotide variant.
Coding change: c.713G>C on transcript NM_002905.5 (MANE Select); coding-DNA position 713, G replaced by C.
Protein change: p.Gly238Ala; replaces glycine 238 with alanine.
Molecular consequence: missense variant. On other transcripts: non-coding transcript variant (1), 3 prime UTR variant (2).
Genome position (GRCh38, 1-based): chr12:55,724,029, G>C. VCF-style: chr12-55724029-G-C. GRCh37 (hg19) VCF-style: chr12-56117813-G-C.
Other names: c.713G>C, p.Gly238Ala (NM_001199771.3); c.*1035C>G (NM_001413284.1); c.*1050C>G (NM_001413285.1); short protein forms G238A.
Identifiers: ClinVar variation 3370439 (VCV003370439.2).

ClinVar aggregate classification (germline): Likely pathogenic (1 of 4 stars; one submission).

Conditions:
Pigmentary retinal dystrophy. Also called: Fundus albipunctatus. Identifiers: Orphanet 227796, Orphanet 52427, MedGen C0311338, MONDO:0007639, OMIM 136880, HP:0030642.

Submission:

SN ONGC Dept of Genetics and Molecular biology Vision Research Foundation
Classification: Likely pathogenic for Pigmentary retinal dystrophy. Last evaluated: 2024-11-02. Review status: criteria provided, single submitter. Criteria: ACMG Guidelines, 2015. Collection method: research. Allele origin: biparental. Inheritance: Autosomal recessive inheritance. Affected: yes. Observed: 1 homozygote.
Comment: The Gly238Ala variant in RDH5 reported in one Indian family with autosomal recessive pattern of inheritance segregated with the parents and were not detected in screening of 100 control samples. The variant was neither identified in ExAC nor 1000G.